The following is an entry in ClinVar:

NM_001009944.3(PKD1):c.11973_11974insA (p.Ala3992fs)

Gene: PKD1 (polycystin 1, transient receptor potential channel interacting; minus strand). Cytogenetic location: 16p13.3.
Variant type: Insertion.
Coding change: c.11973_11974insA on transcript NM_001009944.3 (MANE Select); coding-DNA positions 11973 to 11974, A inserted.
Protein change: p.Ala3992fs; shifts the reading frame from alanine 3992.
Molecular consequence: frameshift variant.
Genome position: GRCh38 VCF-style: chr16-2090913-C-CT. GRCh37 (hg19) VCF-style: chr16-2140914-C-CT.
Other names: c.11970_11971insA, p.Ala3991fs (NM_000296.4); short protein forms A3991fs, A3992fs.
Identifiers: ClinVar variation 3764224 (VCV003764224.1).

ClinVar aggregate classification (germline): Likely pathogenic (1 of 4 stars; one submission).

Submission:

GeneDx
Classification: Likely pathogenic. Last evaluated: 2024-08-19. Review status: criteria provided, single submitter. Criteria: GeneDx Variant Classification Process June 2021. Collection method: clinical testing. Allele origin: germline. Affected: yes.
Comment: Frameshift variant predicted to result in abnormal protein length as the last 312 amino acids are replaced with 164 different amino acids, and other similar variants have been reported in HGMD; Not observed at significant frequency in large population cohorts (gnomAD); Has not been previously published as pathogenic or benign to our knowledge